The following is an entry in ClinVar:

NM_001018005.2(TPM1):c.181T>C (p.Ser61Pro)

Gene: TPM1 (tropomyosin 1; plus strand). Cytogenetic location: 15q22.2.
Variant type: single nucleotide variant.
Coding change: c.181T>C on transcript NM_001018005.2 (MANE Select); coding-DNA position 181, T replaced by C.
Protein change: p.Ser61Pro; replaces serine 61 with proline.
Molecular consequence: missense variant. On other transcripts: intron variant (3).
Genome position (GRCh38, 1-based): chr15:63,044,093, T>C. VCF-style: chr15-63044093-T-C. GRCh37 (hg19) VCF-style: chr15-63336292-T-C.
Other names: c.181T>C, p.Ser61Pro (NM_000366.6, NM_001018004.2, NM_001018006.2 and 3 more transcripts); c.307T>C, p.Ser103Pro (NM_001365778.1); c.240+262T>C (NM_001018020.2, NM_001018007.2, NM_001301244.2); short protein forms S103P, S61P.
Identifiers: ClinVar variation 1007181 (VCV001007181.9), dbSNP rs2031863016, ClinGen allele CA392718623.
Genomic context (GRCh38, chr15:63,044,093, plus strand): 5'-GATGAGCTGGTGTCACTGCAAAAGAAACTCAAGGGCACCGAAGATGAACTGGACAAATAC[T>C]CTGAGGCTCTCAAAGATGCCCAGGAGAAGCTGGAGCTGGCAGAGAAAAAGGCCACCGATG-3'
Protein context (NP_001018005.1, residues 51-71): KGTEDELDKY[Ser61Pro]EALKDAQEKL

ClinVar aggregate classification (germline): Uncertain significance (1 of 4 stars; one submission).

Conditions:
Hypertrophic cardiomyopathy. Also called: HYPERTROPHIC MYOCARDIOPATHY. Identifiers: Orphanet 217569, MedGen C0007194, MeSH D002312, MONDO:0005045, HP:0001639.

Submission:

Labcorp Genetics (formerly Invitae), Labcorp
Classification: Uncertain significance for Hypertrophic cardiomyopathy. Last evaluated: 2024-08-28. Review status: criteria provided, single submitter. Criteria: Invitae Variant Classification Sherloc (09022015). Collection method: clinical testing. Allele origin: germline.
Comment: This sequence change replaces serine, which is neutral and polar, with proline, which is neutral and non-polar, at codon 61 of the TPM1 protein (p.Ser61Pro). This variant is not present in population databases (gnomAD no frequency). This variant has not been reported in the literature in individuals affected with TPM1-related conditions. ClinVar contains an entry for this variant (Variation ID: 1007181). An algorithm developed to predict the effect of missense changes on protein structure and function (PolyPhen-2) suggests that this variant is likely to be disruptive. In summary, the available evidence is currently insufficient to determine the role of this variant in disease. Therefore, it has been classified as a Variant of Uncertain Significance.